The following is an entry in ClinVar:

ClinVar aggregate classification (germline): Likely pathogenic (1 of 4 stars; one submission).

Conditions:
Hereditary breast ovarian cancer syndrome. Also called: Hereditary breast and ovarian cancer syndrome; Breast and ovarian cancer; Hereditary breast and ovarian cancer syndrome (HBOC); Hereditary breast and/or ovarian cancer syndrome; BRCA1- and BRCA2-Associated Hereditary Breast and Ovarian Cancer; Hereditary breast and ovarian cancer. Identifiers: Orphanet 145, MedGen C0677776, MeSH D061325, MONDO:0003582. Disease mechanism: loss of function.

Submissions (2):

Labcorp Genetics (formerly Invitae), Labcorp
Classification: Likely pathogenic for Hereditary breast ovarian cancer syndrome. Last evaluated: 2022-11-29. Review status: criteria provided, single submitter. Criteria: Invitae Variant Classification Sherloc (09022015). Collection method: clinical testing. Allele origin: germline.
Comment: This sequence change replaces arginine, which is basic and polar, with serine, which is neutral and polar, at codon 1753 of the BRCA1 protein (p.Arg1753Ser). In summary, the currently available evidence indicates that the variant is pathogenic, but additional data are needed to prove that conclusively. Therefore, this variant has been classified as Likely Pathogenic. This variant disrupts the p.Arg1753 amino acid residue in BRCA1. Other variant(s) that disrupt this residue have been determined to be pathogenic (PMID: 20516115, 23867111, 25066507). This suggests that this residue is clinically significant, and that variants that disrupt this residue are likely to be disease-causing. Experimental studies have shown that this missense change affects BRCA1 function (PMID: 30209399, 30765603). Advanced modeling performed at Invitae incorporating data from internal and/or published experimental studies (PMID: 30209399) indicates that this missense variant is expected to disrupt BRCA1 function. ClinVar contains an entry for this variant (Variation ID: 409370). This variant has not been reported in the literature in individuals affected with BRCA1-related conditions. This variant is not present in population databases (gnomAD no frequency).

Brotman Baty Institute, University of Washington
No classification provided (evidence only). Condition: Breast-ovarian cancer, familial 1. Review status: no classification provided. Collection method: in vitro. Allele origin: not applicable. Functional consequence: functionally_abnormal. Not counted in ClinVar's aggregate classification.
ClinVar note: "not provided" was previously submitted as the classification for the variant. However, the classification appeared to be based only on an observation of functional data so it was converted to no classification on 2025-07-30.

Literature cited by the submitters: PubMed 20516115 (cited by Labcorp Genetics (formerly Invitae), Labcorp); PubMed 23867111 (cited by Labcorp Genetics (formerly Invitae), Labcorp); PubMed 25066507 (cited by Labcorp Genetics (formerly Invitae), Labcorp); PubMed 30209399 (cited by Labcorp Genetics (formerly Invitae), Labcorp); PubMed 30765603 (cited by Labcorp Genetics (formerly Invitae), Labcorp).

NM_007294.4(BRCA1):c.5259A>T (p.Arg1753Ser)

Gene: BRCA1 (BRCA1 DNA repair associated; minus strand). Cytogenetic location: 17q21.31.
Variant type: single nucleotide variant.
Coding change: c.5259A>T on transcript NM_007294.4 (MANE Select); coding-DNA position 5259, A replaced by T.
Protein change: p.Arg1753Ser; replaces arginine 1753 with serine.
Molecular consequence: missense variant. On other transcripts: non-coding transcript variant (1).
Genome position (GRCh38, 1-based): chr17:43,057,070, T>A on the plus strand (A>T on the coding strand, the complement: BRCA1 is on the minus strand). VCF-style: chr17-43057070-T-A. GRCh37 (hg19) VCF-style: chr17-41209087-T-A.
Other names: c.5046A>T, p.Arg1682Ser (NM_001407571.1, NM_001407907.1, NM_001407908.1 and 12 more transcripts); c.5325A>T, p.Arg1775Ser (NM_001407581.1, NM_001407582.1); c.5322A>T, p.Arg1774Ser (NM_001407583.1, NM_001407585.1, NM_001407587.1 and 1 more transcripts); c.5319A>T, p.Arg1773Ser (NM_001407590.1, NM_001407591.1); c.5259A>T, p.Arg1753Ser (NM_001407593.1, NM_001407594.1, NM_001407596.1 and 7 more transcripts); c.5256A>T, p.Arg1752Ser (NM_001407617.1, NM_001407618.1, NM_001407619.1 and 17 more transcripts); c.5253A>T, p.Arg1751Ser (NM_001407636.1, NM_001407637.1, NM_001407638.1 and 14 more transcripts); c.5250A>T, p.Arg1750Ser (NM_001407644.1, NM_001407645.1); and 72 more; short protein forms R1753S, R1774S, R1706S, R649S, R1456S, R1642S, R1663S, R1664S.
Identifiers: ClinVar variation 409370 (VCV000409370.16), dbSNP rs771577266, ClinGen allele CA10591036.
Genomic context (GRCh38, chr17:43,057,070, plus strand): 5'-GGTGGGGTGAGATTTTTGTCAACTTGAGGGAGGGAGCTTTACCTTTCTGTCCTGGGATTC[T>A]CTTGCTCGCTTTGGACCTTGGTGGTTTCTTCCATTGACCACATCTCCTCTGACTTCAAAA-3'
Protein context (NP_009225.1, residues 1743-1763): GRNHQGPKRA[Arg1753Ser]ESQDRKIFRG